The following is an entry in ClinVar:

NM_000368.5(TSC1):c.2408_2409delinsAT (p.Cys803Tyr)

Gene: TSC1 (TSC complex subunit 1; minus strand). Cytogenetic location: 9q34.13.
Variant type: Indel.
Coding change: c.2408_2409delinsAT on transcript NM_000368.5 (MANE Select); coding-DNA positions 2408 to 2409, GC replaced by AT.
Protein change: p.Cys803Tyr; replaces cysteine 803 with tyrosine.
Molecular consequence: missense variant. On other transcripts: non-coding transcript variant (5).
Genome position (GRCh38, 1-based): chr9:132,901,682-132,901,683, GC replaced by AT on the plus strand (GC replaced by AT on the coding strand, the reverse complement: TSC1 is on the minus strand). VCF-style: chr9-132901682-GC-AT. GRCh37 (hg19) VCF-style: chr9-135777069-GC-AT.
Other names: c.2405_2406delinsAT, p.Cys802Tyr (NM_001162426.2, NM_001406597.1, NM_001406598.1 and 4 more transcripts); c.2255_2256delinsAT, p.Cys752Tyr (NM_001162427.2, NM_001406610.1); c.2045_2046delinsAT, p.Cys682Tyr (NM_001362177.2, NM_001406614.1, NM_001406615.1 and 5 more transcripts); c.2408_2409delinsAT, p.Cys803Tyr (NM_001406592.1, NM_001406593.1, NM_001406594.1 and 5 more transcripts); c.2393_2394delinsAT, p.Cys798Tyr (NM_001406601.1, NM_001406602.1); c.2252_2253delinsAT, p.Cys751Tyr (NM_001406613.1, NM_001406611.1, NM_001406612.1); c.2042_2043delinsAT, p.Cys681Tyr (NM_001406620.1, NM_001406621.1, NM_001406622.1 and 2 more transcripts); c.2390_2391delinsAT, p.Cys797Tyr (NM_001406603.1, NM_001406604.1); and 3 more; short protein forms C752Y, C797Y, C802Y, C682Y, C803Y, C452Y, C485Y, C751Y.
Identifiers: ClinVar variation 4841468 (VCV004841468.1).

ClinVar aggregate classification (germline): Uncertain significance (1 of 4 stars; one submission).

Conditions:
Hereditary cancer-predisposing syndrome. Also called: Neoplastic Syndromes, Hereditary; Tumor predisposition; Hereditary Cancer Syndrome; Hereditary neoplastic syndrome. Identifiers: Orphanet 140162, MedGen C0027672, MeSH D009386, MONDO:0015356.

Submission:

Ambry Genetics
Classification: Uncertain significance for Hereditary cancer-predisposing syndrome. Last evaluated: 2025-12-16. Review status: criteria provided, single submitter. Criteria: Ambry Variant Classification Scheme 2023. Collection method: clinical testing. Allele origin: germline.
Comment: The c.2408_2409delGCinsAT variant (also known as p.C803Y), located in coding exon 17 of the TSC1 gene, results from an in-frame deletion of GC and insertion of AT at nucleotide positions 2408 to 2409. This results in the substitution of the cysteine residue for a tyrosine residue at codon 803, an amino acid with highly dissimilar properties. This amino acid position is highly conserved in available vertebrate species. In addition, this alteration is predicted to be tolerated by in silico analysis. Based on the available evidence, the clinical significance of this variant remains unclear.